The following is an entry in ClinVar:

NM_001042492.3(NF1):c.7447C>T (p.Pro2483Ser)

Gene: NF1 (neurofibromin 1; plus strand). Cytogenetic location: 17q11.2.
Variant type: single nucleotide variant.
Coding change: c.7447C>T on transcript NM_001042492.3 (MANE Select); coding-DNA position 7447, C replaced by T.
Protein change: p.Pro2483Ser; replaces proline 2483 with serine.
Molecular consequence: missense variant.
Genome position (GRCh38, 1-based): chr17:31,350,308, C>T. VCF-style: chr17-31350308-C-T. GRCh37 (hg19) VCF-style: chr17-29677326-C-T.
Other names: c.7384C>T, p.Pro2462Ser (NM_000267.4); short protein forms P2462S, P2483S.
Identifiers: ClinVar variation 655887 (VCV000655887.35), dbSNP rs1291550449, ClinGen allele CA399017209.
Genomic context (GRCh38, chr17:31,350,308, plus strand): 5'-CTTACTGATATTTCAATGGAAAATGTTCCTATGGATACATATCCCATTCATCATGGTGAC[C>T]CTTCCTATAGGTAAGTGGATTTACTCTCCTATAATTACATAATCATAATCAAGTTTCAAT-3'
Protein context (NP_001035957.1, residues 2473-2493): MDTYPIHHGD[Pro2483Ser]SYRTLKETQP

ClinVar aggregate classification (germline): Conflicting classifications of pathogenicity. Review status: criteria provided, conflicting classifications (1 of 4 stars). 5 submissions from 5 submitters: Uncertain significance (3); Benign (1); Likely benign (1). Last evaluated 2026-01-05.

Conditions:
Juvenile myelomonocytic leukemia (JMML). Also called: LEUKEMIA, JUVENILE MYELOMONOCYTIC, SOMATIC. Identifiers: Orphanet 86834, MedGen C0349639, MONDO:0011908, OMIM 607785, HP:0012209.
Hereditary cancer-predisposing syndrome. Also called: Neoplastic Syndromes, Hereditary; Hereditary Cancer Syndrome; Tumor predisposition; Hereditary neoplastic syndrome. Identifiers: Orphanet 140162, MedGen C0027672, MeSH D009386, MONDO:0015356.
Cardiovascular phenotype. Identifiers: MedGen CN230736.
Neurofibromatosis, type 1 (NF1). Also called: VON RECKLINGHAUSEN DISEASE; NEUROFIBROMATOSIS, TYPE I, SOMATIC; Peripheral type neurofibromatosis; Neurofibromatosis, type I. Identifiers: Orphanet 636, MedGen C0027831, MONDO:0018975, OMIM 162200. Disease mechanism: loss of function.

Allele frequency attached by ClinVar (database versions not stated): gnomAD exomes below 0.00001; TOPMed below 0.00001.

Submissions (5):

Labcorp Genetics (formerly Invitae), Labcorp
Classification: Benign for Neurofibromatosis, type 1. Last evaluated: 2026-01-05. Review status: criteria provided, single submitter. Criteria: Invitae Variant Classification Sherloc (09022015). Collection method: clinical testing. Allele origin: germline.

Ambry Genetics
Classification: Likely benign for Cardiovascular phenotype; Hereditary cancer-predisposing syndrome. Last evaluated: 2023-11-02. Review status: criteria provided, single submitter. Criteria: Ambry Variant Classification Scheme 2023. Collection method: clinical testing. Allele origin: germline.

CeGaT Center for Human Genetics Tuebingen
Classification: Uncertain significance. Last evaluated: 2023-11-01. Review status: criteria provided, single submitter. Criteria: CeGaT Center For Human Genetics Tuebingen Variant Classification Criteria Version 2. Collection method: clinical testing. Allele origin: germline. Affected: yes. Observed: 1 variant allele.
Comment: NF1: PM2, BP4

Baylor Genetics
Classification: Uncertain significance for Juvenile myelomonocytic leukemia. Last evaluated: 2023-06-15. Review status: criteria provided, single submitter. Criteria: ACMG Guidelines, 2015. Collection method: clinical testing. Allele origin: unknown.

Blueprint Genetics
Classification: Uncertain significance. Last evaluated: 2022-04-20. Review status: criteria provided, single submitter. Criteria: ACMG Guidelines, 2015. Collection method: clinical testing. Allele origin: germline.